The following is an entry in ClinVar:

ClinVar aggregate classification (germline): Uncertain significance (1 of 4 stars; one submission).

Conditions:
Disseminated atypical mycobacterial infection. Identifiers: MedGen C0694566.

Allele frequency attached by ClinVar (database versions not stated): gnomAD 0.00001; gnomAD exomes 0.00001; ExAC 0.00002; TOPMed 0.00002.
gnomAD v4.1: 8 of 1,613,148 alleles (0.0005%); highest among the groups gnomAD compares: Admixed American, 0.0017%; no homozygotes.

Submission:

Labcorp Genetics (formerly Invitae), Labcorp
Classification: Uncertain significance for Disseminated atypical mycobacterial infection. Last evaluated: 2025-04-28. Review status: criteria provided, single submitter. Criteria: Invitae Variant Classification Sherloc (09022015). Collection method: clinical testing. Allele origin: germline.
Comment: This sequence change replaces proline, which is neutral and non-polar, with threonine, which is neutral and polar, at codon 129 of the IFNGR1 protein (p.Pro129Thr). This variant is present in population databases (rs769242277, gnomAD 0.003%). This variant has not been reported in the literature in individuals affected with IFNGR1-related conditions. ClinVar contains an entry for this variant (Variation ID: 960472). Invitae Evidence Modeling of protein sequence and biophysical properties (such as structural, functional, and spatial information, amino acid conservation, physicochemical variation, residue mobility, and thermodynamic stability) has been performed for this missense variant. However, the output from this modeling did not meet the statistical confidence thresholds required to predict the impact of this variant on IFNGR1 protein function. In summary, the available evidence is currently insufficient to determine the role of this variant in disease. Therefore, it has been classified as a Variant of Uncertain Significance.

NM_000416.3(IFNGR1):c.385C>A (p.Pro129Thr)

Gene: IFNGR1 (interferon gamma receptor 1; minus strand). Cytogenetic location: 6q23.3.
Variant type: single nucleotide variant.
Coding change: c.385C>A on transcript NM_000416.3 (MANE Select); coding-DNA position 385, C replaced by A.
Protein change: p.Pro129Thr; replaces proline 129 with threonine.
Molecular consequence: missense variant.
Genome position (GRCh38, 1-based): chr6:137,204,493, G>T on the plus strand (C>A on the coding strand, the complement: IFNGR1 is on the minus strand). VCF-style: chr6-137204493-G-T. GRCh37 (hg19) VCF-style: chr6-137525630-G-T.
Other names: c.355C>A, p.Pro119Thr (NM_001363526.1); c.262C>A, p.Pro88Thr (NM_001363527.1); short protein forms P129T, P119T, P88T.
Identifiers: ClinVar variation 960472 (VCV000960472.11), dbSNP rs769242277, ClinGen allele CA4018981.